The following is an entry in ClinVar:

NM_024312.5(GNPTAB):c.2131_2134dup (p.Asn712fs)

Gene: GNPTAB (N-acetylglucosamine-1-phosphate transferase subunits alpha and beta; minus strand). Cytogenetic location: 12q23.2.
Variant type: Duplication.
Coding change: c.2131_2134dup on transcript NM_024312.5 (MANE Select); coding-DNA positions 2131 to 2134, 4 bases duplicated (CTCA; older notation c.2131_2134dupCTCA).
Protein change: p.Asn712fs; shifts the reading frame from asparagine 712.
Molecular consequence: frameshift variant.
Genome position (GRCh38, 1-based): chr12:101,764,783-101,764,786, TGAG duplicated on the plus strand (CTCA on the coding strand, the reverse complement: GNPTAB is on the minus strand). VCF-style (leftmost placement, unchanged base first): chr12-101764782-T-TTGAG. GRCh37 (hg19) VCF-style: chr12-102158560-T-TTGAG.
Other names: short protein forms N712fs.
Identifiers: ClinVar variation 5014820 (VCV005014820.1).

ClinVar aggregate classification (germline): Pathogenic (1 of 4 stars; one submission).

Conditions:
GNPTAB-mucolipidosis. Also called: UDP-N-acetylglucosamine-1-phosphotransferase subunit alpha/beta deficiency. Identifiers: MedGen CN322573, MONDO:0100122.

Submission:

Myriad Genetics, Inc.
Classification: Pathogenic for GNPTAB-mucolipidosis. Last evaluated: 2025-08-05. Review status: criteria provided, single submitter. Criteria: Myriad Autosomal Dominant, Autosomal Recessive and X-Linked Classification Criteria (2023). Collection method: clinical testing. Allele origin: unknown.
Comment: NM_024312.4(GNPTAB):c.2131_2134dupCTCA(N712Tfs*37) is expected to be pathogenic in the context of GNPTAB-related disorders. This variant is predicted to lead to an abnormal or absent protein product due to the creation of a premature termination codon in GNPTAB, a gene where loss-of-function variants are known to be pathogenic. Please note: this variant was assessed in the context of healthy population screening.